The following is an entry in ClinVar:

NM_000257.4(MYH7):c.2765T>C (p.Met922Thr)

Gene: MYH7 (myosin heavy chain 7; minus strand). Cytogenetic location: 14q11.2.
Variant type: single nucleotide variant.
Coding change: c.2765T>C on transcript NM_000257.4 (MANE Select); coding-DNA position 2765, T replaced by C.
Protein change: p.Met922Thr; replaces methionine 922 with threonine.
Molecular consequence: missense variant.
Genome position (GRCh38, 1-based): chr14:23,424,064, A>G on the plus strand (T>C on the coding strand, the complement: MYH7 is on the minus strand). VCF-style: chr14-23424064-A-G. GRCh37 (hg19) VCF-style: chr14-23893273-A-G.
Other names: p.Met922Thr; c.2765T>C (LRG_384t1); short protein forms M922T.
Identifiers: ClinVar variation 636549 (VCV000636549.25), dbSNP rs771599539, ClinGen allele CA034223.

ClinVar aggregate classification (germline): Conflicting classifications of pathogenicity. Review status: criteria provided, conflicting classifications (1 of 4 stars). 11 submissions from 9 submitters: Uncertain significance (9); Likely benign (2). Last evaluated 2025-12-31.

Conditions:
Cardiovascular phenotype. Identifiers: MedGen CN230736.
Hypertrophic cardiomyopathy 1 (CMH1). Also called: MYH7-Related Familial Hypertrophic Cardiomyopathy; Familial hypertrophic cardiomyopathy 1. Identifiers: MedGen C3495498, MONDO:0008647, OMIM 192600.
MYH7-related skeletal myopathy. Also called: Laing distal myopathy; MYOPATHY, DISTAL, EARLY-ONSET, AUTOSOMAL DOMINANT; MYOPATHY, LATE DISTAL HEREDITARY; Myopathy, distal, 1; Laing early-onset distal myopathy. Identifiers: Orphanet 59135, MedGen C4552004, MONDO:0008050, OMIM 160500.
Hypertrophic cardiomyopathy. Also called: HYPERTROPHIC MYOCARDIOPATHY. Identifiers: Orphanet 217569, MedGen C0007194, MeSH D002312, MONDO:0005045, HP:0001639.
Myosin storage myopathy (CMYO7A). Also called: MYOPATHY WITH LYSIS OF TYPE I MYOFIBRILS; Scapuloperoneal myopathy, MYH7-related; MYOPATHY, HYALINE BODY, AUTOSOMAL DOMINANT; SCAPULOPERONEAL MUSCULAR DYSTROPHY; SCAPULOPERONEAL SYNDROME, MYOPATHIC TYPE; MYH7-related late-onset scapuloperoneal muscular dystrophy. Identifiers: Orphanet 437572, Orphanet 636965, MedGen C1842160, MONDO:0008409, OMIM 608358.
Cardiomyopathy (CMYO). Also called: Cardiomyopathies. Identifiers: Orphanet 167848, MedGen C0878544, MONDO:0004994, HP:0001638. Inheritance: Various modes of inheritance.

Allele frequency attached by ClinVar (database versions not stated): gnomAD 0.00001 and 0.00002; ExAC 0.00002; TOPMed 0.00002.

Submissions (11):

Women's Health and Genetics/Laboratory Corporation of America, LabCorp
Classification: Uncertain significance. Last evaluated: 2025-12-31. Review status: criteria provided, single submitter. Criteria: LabCorp Variant Classification Summary - May 2015. Collection method: clinical testing. Allele origin: germline.
Comment: Variant summary: MYH7 c.2765T>C (p.Met922Thr) results in a non-conservative amino acid change in the encoded protein sequence. Algorithms developed to predict the effect of missense changes on protein structure and function are either unavailable or do not agree on the potential impact of this missense change. The variant allele was found at a frequency of 1.6e-05 in 251476 control chromosomes. The available data on variant occurrences in the general population are insufficient to allow any conclusion about variant significance. To our knowledge, no occurrence of c.2765T>C in individuals affected with MYH7-related conditions and no experimental evidence demonstrating its impact on protein function have been reported. ClinVar contains an entry for this variant (Variation ID: 636549). Based on the evidence outlined above, the variant was classified as uncertain significance.

Labcorp Genetics (formerly Invitae), Labcorp
Classification: Uncertain significance for Hypertrophic cardiomyopathy. Last evaluated: 2025-10-21. Review status: criteria provided, single submitter. Criteria: Invitae Variant Classification Sherloc (09022015). Collection method: clinical testing. Allele origin: germline.
Comment: This sequence change replaces methionine, which is neutral and non-polar, with threonine, which is neutral and polar, at codon 922 of the MYH7 protein (p.Met922Thr). This variant is present in population databases (rs771599539, gnomAD 0.003%). This variant has not been reported in the literature in individuals affected with MYH7-related conditions. ClinVar contains an entry for this variant (Variation ID: 636549). Invitae Evidence Modeling of protein sequence and biophysical properties (such as structural, functional, and spatial information, amino acid conservation, physicochemical variation, residue mobility, and thermodynamic stability) has been performed for this missense variant. However, the output from this modeling did not meet the statistical confidence thresholds required to predict the impact of this variant on MYH7 protein function. This variant is found within a region of MYH7 between codons 181 and 937 that contains the majority of the myosin head domain. Missense variants in this region have been shown to be significantly overrepresented in individuals with hypertrophic cardiomyopathy (PMID: 27532257). In summary, the available evidence is currently insufficient to determine the role of this variant in disease. Therefore, it has been classified as a Variant of Uncertain Significance.

Color Diagnostics, LLC DBA Color Health
Classification: Uncertain significance for Cardiomyopathy. Last evaluated: 2025-08-11. Review status: criteria provided, single submitter. Criteria: ACMG Guidelines, 2015. Collection method: clinical testing. Allele origin: germline.
Comment: This missense variant replaces methionine with threonine at codon 922 of the MYH7 protein. Computational prediction suggests that this variant may not impact protein structure and function. To our knowledge, functional studies have not been reported for this variant. This variant has not been reported in individuals affected with MYH7-related disorders in the literature. This variant has been identified in 4/251476 chromosomes in the general population by the Genome Aggregation Database (gnomAD). The available evidence is insufficient to determine the role of this variant in disease conclusively. Therefore, this variant is classified as a Variant of Uncertain Significance.

Mayo Clinic Laboratories, Mayo Clinic
Classification: Uncertain significance. Last evaluated: 2025-06-27. Review status: criteria provided, single submitter. Criteria: ACMG Guidelines, 2015. Collection method: clinical testing. Allele origin: germline. Observed: 1 variant allele.
Comment: BP4, PM1

GeneDx
Classification: Uncertain significance. Last evaluated: 2024-12-13. Review status: criteria provided, single submitter. Criteria: GeneDx Variant Classification Process June 2021. Collection method: clinical testing. Allele origin: germline. Affected: yes.
Comment: Has been observed in an individual in the Farmingham Heart Study cohort; variant was classified as variant of uncertain significance by the authors of this study (PMID: 22958901); Not observed at significant frequency in large population cohorts (gnomAD); In silico analysis indicates that this missense variant does not alter protein structure/function; This variant is associated with the following publications: (PMID: 27532257, 29300372, 22958901)

All of Us Research Program, National Institutes of Health
Classification: Uncertain significance for Cardiomyopathy. Last evaluated: 2023-10-30. Review status: criteria provided, single submitter. Criteria: ACMG Guidelines, 2015. Collection method: clinical testing. Allele origin: germline. Inheritance: Autosomal dominant inheritance. Observed: 1 variant allele, 1 heterozygote.
Comment: This study involves interpretation of variants in research participants for the purpose of population health screening. Participant phenotype was not available at the time of variant classification. Additional details can be found in publication PMID: 35346344, PMCID: PMC8962531

Blueprint Genetics
Classification: Likely benign. Last evaluated: 2022-07-21. Review status: criteria provided, single submitter. Criteria: ACMG Guidelines, 2015. Collection method: clinical testing. Allele origin: germline.

Ambry Genetics
Classification: Uncertain significance for Cardiovascular phenotype. Last evaluated: 2021-06-21. Review status: criteria provided, single submitter. Criteria: Ambry Variant Classification Scheme 2023. Collection method: clinical testing. Allele origin: germline.
Comment: The p.M922T variant (also known as c.2765T>C), located in coding exon 21 of the MYH7 gene, results from a T to C substitution at nucleotide position 2765. The methionine at codon 922 is replaced by threonine, an amino acid with similar properties. This variant has been reported in the Framingham Heart Study cohort; however, clinical details were limited (Bick AG et al. Am J Hum Genet, 2012 Sep;91:513-9). This amino acid position is not well conserved in available vertebrate species. In addition, this alteration is predicted to be tolerated by in silico analysis. Since supporting evidence is limited at this time, the clinical significance of this alteration remains unclear.

Illumina Laboratory Services, Illumina
Classification: Uncertain significance for Hypertrophic cardiomyopathy 1. Last evaluated: 2018-01-12. Review status: criteria provided, single submitter. Criteria: ICSL Variant Classification Criteria 13 December 2019. Collection method: clinical testing. Allele origin: germline.

Illumina Laboratory Services, Illumina
Classification: Likely benign for MYH7-related skeletal myopathy. Last evaluated: 2018-01-12. Review status: criteria provided, single submitter. Criteria: ICSL Variant Classification Criteria 13 December 2019. Collection method: clinical testing. Allele origin: germline.
Comment: This variant was observed in the ICSL laboratory as part of a predisposition screen in an ostensibly healthy population. It had not been previously curated by ICSL or reported in the Human Gene Mutation Database (HGMD: prior to June 1st, 2018), and was therefore a candidate for classification through an automated scoring system. Utilizing variant allele frequency, disease prevalence and penetrance estimates, and inheritance mode, an automated score was calculated to assess if this variant is too frequent to cause the disease. Based on the score and internal cut-off values, a variant classified as likely benign is not then subjected to further curation. The score for this variant resulted in a classification of likely benign for this disease.

Illumina Laboratory Services, Illumina
Classification: Uncertain significance for Myosin storage myopathy. Last evaluated: 2018-01-12. Review status: criteria provided, single submitter. Criteria: ICSL Variant Classification Criteria 13 December 2019. Collection method: clinical testing. Allele origin: germline.

Literature cited by the submitters: PubMed 27532257 (cited by Labcorp Genetics (formerly Invitae), Labcorp and Mayo Clinic Laboratories, Mayo Clinic); PubMed 19808356 (cited by Mayo Clinic Laboratories, Mayo Clinic); PubMed 21216834 (cited by Mayo Clinic Laboratories, Mayo Clinic); PubMed 22958901 (cited by Mayo Clinic Laboratories, Mayo Clinic and Ambry Genetics).